The following is an entry in ClinVar:

NM_000257.4(MYH7):c.3484G>T (p.Glu1162Ter)

Gene: MYH7 (myosin heavy chain 7; minus strand). Cytogenetic location: 14q11.2.
Variant type: single nucleotide variant.
Coding change: c.3484G>T on transcript NM_000257.4 (MANE Select); coding-DNA position 3484, G replaced by T.
Protein change: p.Glu1162Ter; replaces glutamic acid 1162 with a stop codon.
Molecular consequence: nonsense.
Genome position (GRCh38, 1-based): chr14:23,420,087, C>A on the plus strand (G>T on the coding strand, the complement: MYH7 is on the minus strand). VCF-style: chr14-23420087-C-A. GRCh37 (hg19) VCF-style: chr14-23889296-C-A.
Other names: c.3484G>T, p.Glu1162Ter (NM_001407004.1); short protein forms E1162*.
Identifiers: ClinVar variation 2773923 (VCV002773923.2), dbSNP rs1892412049, ClinGen allele CA389043745.

ClinVar aggregate classification (germline): Uncertain significance (1 of 4 stars; one submission).

Conditions:
Cardiomyopathy (CMYO). Also called: Cardiomyopathies. Identifiers: Orphanet 167848, MedGen C0878544, MONDO:0004994, HP:0001638. Inheritance: Various modes of inheritance.

Submission:

Color Diagnostics, LLC DBA Color Health
Classification: Uncertain significance for Cardiomyopathy. Last evaluated: 2022-04-26. Review status: criteria provided, single submitter. Criteria: ACMG Guidelines, 2015. Collection method: clinical testing. Allele origin: germline.
Comment: This variant changes 1 nucleotide in exon 27 of the MYH7 gene, creating a premature translation stop signal. This variant is expected to result in an absent or non-functional protein product. To our knowledge, this variant has not been reported in individuals affected with cardiovascular disorders in the literature. This variant has not been identified in the general population by the Genome Aggregation Database (gnomAD). Clinical relevance of loss-of-function MYH7 truncation variants in autosomal dominant cardiovascular disorders is not clearly established. The available evidence is insufficient to determine the role of this variant in autosomal dominant cardiovascular disorders conclusively. Therefore, this variant is classified as a Variant of Uncertain Significance.